The following is an entry in ClinVar:

ClinVar aggregate classification (germline): Benign/Likely benign. Review status: criteria provided, single submitter (1 of 4 stars). 3 submissions from 1 submitter: Benign (2); Likely benign (1). Last evaluated 2018-01-13.

Conditions:
Orofacial cleft 8. Also called: Cleft lip with or without cleft palate, nonsyndromic, 8. Identifiers: MedGen C1851878, MONDO:0029145, OMIM 618149.
TP63-Related Spectrum Disorders.
Ectrodactyly, ectodermal dysplasia, and cleft lip-palate syndrome 3. Also called: Ectrodactyly, Ectodermal Dysplasia, Clefting Syndrome; EEC SYNDROME 3; Ectrodactyly, Ectodermal Dysplasia, Clefting Syndrome Type 3 (EEC3); Ectrodactyly, Ectodermal Dysplasia, Cleft Lip/Palate Syndrome 3 (EEC3). Identifiers: Orphanet 1896, MedGen C1858562, MONDO:0011428, OMIM 604292.

Allele frequency attached by ClinVar (database versions not stated): gnomAD exomes 0.00231; gnomAD 0.00404 and 0.00427; TOPMed 0.00489; 1000 Genomes Project 0.00519; 1000 Genomes Project 30x 0.00640.
gnomAD v4.1: 778 of 218,080 alleles (0.36%); highest among the groups gnomAD compares: Middle Eastern, 2%; 2 homozygotes.

Submissions (3):

Illumina Laboratory Services, Illumina
Classification: Benign for TP63-Related Spectrum Disorders. Last evaluated: 2018-01-13. Review status: criteria provided, single submitter. Criteria: ICSL Variant Classification Criteria 13 December 2019. Collection method: clinical testing. Allele origin: germline.
Comment: This variant was observed in the ICSL laboratory as part of a predisposition screen in an ostensibly healthy population. It had not been previously curated by ICSL or reported in the Human Gene Mutation Database (HGMD: prior to June 1st, 2018), and was therefore a candidate for classification through an automated scoring system. Utilizing variant allele frequency, disease prevalence and penetrance estimates, and inheritance mode, an automated score was calculated to assess if this variant is too frequent to cause the disease. Based on the score and internal cut-off values, a variant classified as benign is not then subjected to further curation. The score for this variant resulted in a classification of benign for this disease.

Illumina Laboratory Services, Illumina
Classification: Benign for Ectrodactyly, ectodermal dysplasia, and cleft lip-palate syndrome 3. Last evaluated: 2018-01-13. Review status: criteria provided, single submitter. Criteria: ICSL Variant Classification Criteria 13 December 2019. Collection method: clinical testing. Allele origin: germline.
Comment: the same text as in the submission from Illumina Laboratory Services, Illumina above.

Illumina Laboratory Services, Illumina
Classification: Likely benign for Orofacial cleft 8. Last evaluated: 2018-01-13. Review status: criteria provided, single submitter. Criteria: ICSL Variant Classification Criteria 13 December 2019. Collection method: clinical testing. Allele origin: germline.
Comment: This variant was observed in the ICSL laboratory as part of a predisposition screen in an ostensibly healthy population. It had not been previously curated by ICSL or reported in the Human Gene Mutation Database (HGMD: prior to June 1st, 2018), and was therefore a candidate for classification through an automated scoring system. Utilizing variant allele frequency, disease prevalence and penetrance estimates, and inheritance mode, an automated score was calculated to assess if this variant is too frequent to cause the disease. Based on the score and internal cut-off values, a variant classified as likely benign is not then subjected to further curation. The score for this variant resulted in a classification of likely benign for this disease.

NM_003722.5(TP63):c.*854A>G

Gene: TP63 (tumor protein p63; plus strand). Cytogenetic location: 3q28.
Variant type: single nucleotide variant.
Coding change: c.*854A>G on transcript NM_003722.5 (MANE Select); 854 bases downstream of the stop codon, A replaced by G.
Molecular consequence: 3 prime UTR variant.
Genome position (GRCh38, 1-based): chr3:189,895,356, A>G. VCF-style: chr3-189895356-A-G. GRCh37 (hg19) VCF-style: chr3-189613145-A-G.
Other names: c.*1135A>G (NM_001114978.2, NM_001114981.2); c.*854A>G (NM_001114980.2, NM_001329146.2, NM_001329148.2 and 1 more transcripts); c.*1125A>G (NM_001329144.2, NM_001329145.2, NM_001329149.2 and 1 more transcripts).
Identifiers: ClinVar variation 344405 (VCV000344405.6), dbSNP rs187751631, ClinGen allele CA10615925.